The following is an entry in ClinVar:

NM_003632.3(CNTNAP1):c.1446T>G (p.Tyr482Ter)

Gene: CNTNAP1 (contactin associated protein 1; plus strand). Cytogenetic location: 17q21.2.
Variant type: single nucleotide variant.
Coding change: c.1446T>G on transcript NM_003632.3 (MANE Select); coding-DNA position 1446, T replaced by G.
Protein change: p.Tyr482Ter; replaces tyrosine 482 with a stop codon.
Molecular consequence: nonsense.
Genome position (GRCh38, 1-based): chr17:42,688,601, T>G. VCF-style: chr17-42688601-T-G. GRCh37 (hg19) VCF-style: chr17-40840619-T-G.
Other names: short protein forms Y482*.
Identifiers: ClinVar variation 2671767 (VCV002671767.1), dbSNP rs2543793851, ClinGen allele CA399639225.

ClinVar aggregate classification (germline): Likely pathogenic (1 of 4 stars; one submission).

Conditions:
Neuropathy, congenital hypomyelinating, 3. Identifiers: MedGen C4748608, MONDO:0020766, OMIM 618186.

Submission:

Neuberg Centre For Genomic Medicine, NCGM
Classification: Likely pathogenic for Neuropathy, congenital hypomyelinating, 3. Last evaluated: 2023-02-14. Review status: criteria provided, single submitter. Criteria: ACMG Guidelines, 2015. Collection method: clinical testing. Allele origin: germline. Inheritance: Autosomal recessive inheritance. Affected: yes.
Comment: The stop gain c.1446T>G (p.Tyr482Ter) variant in CNTNAP1 gene has not been reported previously as a pathogenic variant nor as a benign variant, to our knowledge. The p.Tyr482Ter variant is novel (not in any individuals) in gnomAD Exomes and is novel (not in any individuals) in 1000 Genomes. This variant has not been reported to the ClinVar database. The nucleotide change c.1446T>G in CNTNAP1 is predicted as conserved by GERP++ and PhyloP across 100 vertebrates. This variant is predicted to cause loss of normal protein function through protein truncation. Loss of function variants have been previously reported to be disease causing. For these reasons, this variant has been classified as Likely Pathogenic.